The following is an entry in ClinVar:

ClinVar aggregate classification (germline): Uncertain significance (1 of 4 stars; one submission).

Conditions:
Dyskeratosis congenita, autosomal dominant 1 (DKCA1). Also called: Dyskeratosis congenita Scoggins type. Identifiers: Orphanet 1775, MedGen C4551974, MONDO:0007485, OMIM 127550. Inheritance: Variable.

Allele frequency attached by ClinVar (database versions not stated): TOPMed 0.00001.
gnomAD v4.1: 1 of 765,494 alleles (0.00013%); highest among the groups gnomAD compares: Non-Finnish European, 0.00024%; no homozygotes.

Submission:

Labcorp Genetics (formerly Invitae), Labcorp
Classification: Uncertain significance for Dyskeratosis congenita, autosomal dominant 1. Last evaluated: 2025-08-18. Review status: criteria provided, single submitter. Criteria: Invitae Variant Classification Sherloc (09022015). Collection method: clinical testing. Allele origin: germline.
Comment: This variant occurs in the TERC gene, which encodes an RNA molecule that does not result in a protein product. This variant is not present in population databases (gnomAD no frequency). This variant has not been reported in the literature in individuals affected with TERC-related conditions. ClinVar contains an entry for this variant (Variation ID: 1350036). This variant is located within the template/pseudoknot domain of the TERC RNA component, which is required for RNA or RNP stability (PMID: 15082312, 21844345). This variant is located in a region of TERC in which a significant number of disease causing variants have been reported (PMID: 15082312, 21844345, 21931702). These observations suggest that this may be a clinically significant region. In summary, the available evidence is currently insufficient to determine the role of this variant in disease. Therefore, it has been classified as a Variant of Uncertain Significance.

Literature cited by the submitters: PubMed 15082312; PubMed 21844345; PubMed 21931702.

NC_000003.12:g.169764986G>C

Genes: TERC (telomerase RNA component; minus strand), LOC110806306 (telomerase RNA component (TERC) promoter; plus strand). Cytogenetic location: 3q26.2.
Variant type: single nucleotide variant.
Genome position: GRCh38 VCF-style: chr3-169764986-G-C. GRCh37 (hg19) VCF-style: chr3-169482774-G-C.
Identifiers: ClinVar variation 1350036 (VCV001350036.8), dbSNP rs771988301, ClinGen allele CA436715881.